The following is an entry in ClinVar:

ClinVar aggregate classification (germline): Likely pathogenic (1 of 4 stars; one submission).

Conditions:
Glycogen storage disease IXa1. Also called: Glycogen storage disease 8; LIVER GLYCOGENOSIS, X-LINKED, TYPE I; GLYCOGEN STORAGE DISEASE VIII; GSD VIII. Identifiers: Orphanet 264580, MedGen C3694531, MONDO:0010598, OMIM 306000.

Submission:

Neuberg Centre For Genomic Medicine, NCGM
Classification: Likely pathogenic for Glycogen storage disease IXa1. Review status: criteria provided, single submitter. Criteria: ACMG Guidelines, 2015. Collection method: clinical testing. Allele origin: germline. Inheritance: X-linked inheritance. Affected: yes.
Comment: The splice acceptor c.1325-1G>A variant has not been reported previously as a pathogenic variant nor as a benign variant, to our knowledge. The observed variant affects the invariant splice site. The c.1325-1G>A variant is novel (not in any individuals) in gnomAD Exomes and 1000 Genomes. This variant has not been reported to the ClinVar database. Loss of function variants have been previously reported to be disease causing. For these reasons, this variant has been classified as Likely Pathogenic.

NM_000292.3(PHKA2):c.1325-1G>A

Gene: PHKA2 (phosphorylase kinase regulatory subunit alpha 2; minus strand). Cytogenetic location: Xp22.13.
Variant type: single nucleotide variant.
Coding change: c.1325-1G>A on transcript NM_000292.3 (MANE Select); the canonical splice acceptor site of the intron before coding-DNA position 1325, G replaced by A.
Molecular consequence: splice acceptor variant.
Genome position (GRCh38, 1-based): chrX:18,926,588, C>T on the plus strand (G>A on the coding strand, the complement: PHKA2 is on the minus strand). VCF-style: chrX-18926588-C-T. GRCh37 (hg19) VCF-style: chrX-18944706-C-T.
Identifiers: ClinVar variation 2585111 (VCV002585111.1), dbSNP rs2518701661, ClinGen allele CA412394040.